The following is an entry in ClinVar:

NM_001122955.4(BSCL2):c.1137A>G (p.Glu379=)

Genes: BSCL2 (BSCL2 lipid droplet biogenesis associated, seipin; minus strand), HNRNPUL2-BSCL2 (HNRNPUL2-BSCL2 readthrough (NMD candidate); minus strand). Cytogenetic location: 11q12.3.
Variant type: single nucleotide variant.
Coding change: c.1137A>G on transcript NM_001122955.4 (MANE Select); coding-DNA position 1137, A replaced by G.
Protein change: p.Glu379=; no amino-acid change (glutamic acid 379 retained).
Molecular consequence: synonymous variant. On other transcripts: non-coding transcript variant (1), missense variant (1).
Genome position (GRCh38, 1-based): chr11:62,690,803, T>C on the plus strand (A>G on the coding strand, the complement: BSCL2 is on the minus strand). VCF-style: chr11-62690803-T-C. GRCh37 (hg19) VCF-style: chr11-62458275-T-C.
Other names: p.Glu315=; c.803A>G, p.Lys268Arg (NM_001130702.2); c.1143A>G, p.Glu381= (NM_001386027.1); c.1137A>G, p.Glu379= (NM_001386028.1); c.945A>G, p.Glu315= (NM_032667.6); short protein forms K268R.
Identifiers: ClinVar variation 128533 (VCV000128533.32), dbSNP rs6856, ClinGen allele CA152055.

ClinVar aggregate classification (germline): Benign. Review status: criteria provided, multiple submitters, no conflicts (2 of 4 stars). 15 submissions from 11 submitters: Benign (14). 1 of the submissions does not count toward it. Last evaluated 2026-02-04.

Conditions:
Charcot-Marie-Tooth disease type 2. Also called: Charcot-Marie-Tooth type 2. Identifiers: Orphanet 64746, MedGen C0270914, MONDO:0018993.
Hereditary spastic paraplegia. Also called: Familial spastic paraparesis. Identifiers: Orphanet 685, MedGen C0037773, MONDO:0019064. Disease mechanism: loss of function.
Congenital generalized lipodystrophy type 2 (CGL2). Also called: SEIP SYNDROME; BERARDINELLI SYNDROME; BRUNZELL SYNDROME, BSCL2-RELATED; Berardinelli-Seip Congenital Lipodystrophy Type 2. Identifiers: Orphanet 528, Orphanet 696289, MedGen C1720863, MONDO:0010020, OMIM 269700.
Hereditary spastic paraplegia 17. Also called: SPASTIC PARAPLEGIA WITH AMYOTROPHY OF HANDS AND FEET; Silver spastic paraplegia syndrome; Spastic Paraplegia 17; Autosomal dominant spastic paraplegia type 17; Silver Syndrome. Identifiers: Orphanet 100998, MedGen C2931276, MONDO:0010043, OMIM 270685.
Neuronopathy, distal hereditary motor, type 5A (HMND5). Also called: NEURONOPATHY, DISTAL HEREDITARY MOTOR, AUTOSOMAL DOMINANT 5; DHMN VA; Distal Spinal Muscular Atrophy V; Distal Spinal Muscular Atrophy V (dSMA-V). Identifiers: Orphanet 139536, MedGen CN031873, MONDO:0015353, OMIM 600794.
Lipodystrophy. Also called: Lipodystrophy (disease). Identifiers: MedGen C0023787, MONDO:0006573, HP:0009125.
Neuronopathy, distal hereditary motor, type 5C. Also called: NEURONOPATHY, DISTAL HEREDITARY MOTOR, HARDING TYPE VC; NEUROPATHY, DISTAL HEREDITARY MOTOR, HARDING TYPE VC; SPINAL MUSCULAR ATROPHY, DISTAL, HARDING TYPE VC; DHMN VC; NEURONOPATHY, DISTAL HEREDITARY MOTOR, AUTOSOMAL DOMINANT 13. Identifiers: MedGen C5436838, MONDO:0030860, OMIM 619112.
Severe neurodegenerative syndrome with lipodystrophy. Also called: ENCEPHALOPATHY, PROGRESSIVE, WITH LIPODYSTROPHY; Encephalopathy, progressive, with or without lipodystrophy. Identifiers: Orphanet 363400, MedGen C4014700, MONDO:0014402, OMIM 615924.

Allele frequency attached by ClinVar (database versions not stated): 1000 Genomes Project 0.13498; 1000 Genomes Project 30x 0.13882; gnomAD 0.16564 and 0.16571; TOPMed 0.16720; gnomAD exomes 0.17389; ExAC 0.17837; ESP Exome Variant Server 0.18328.
gnomAD v4.1: 332,627 of 1,613,344 alleles (21%); highest among the groups gnomAD compares: Non-Finnish European, 23%; 35,885 homozygotes.

Submissions (15):

Labcorp Genetics (formerly Invitae), Labcorp
Classification: Benign for Charcot-Marie-Tooth disease type 2. Last evaluated: 2026-02-04. Review status: criteria provided, single submitter. Criteria: Invitae Variant Classification Sherloc (09022015). Collection method: clinical testing. Allele origin: germline.

Blueprint Genetics
Classification: Benign. Last evaluated: 2024-11-27. Review status: criteria provided, single submitter. Criteria: ACMG Guidelines, 2015. Collection method: clinical testing. Allele origin: germline.

Department of Pathology and Laboratory Medicine, Sinai Health System
Classification: Benign for lipodystrophy. Last evaluated: 2023-04-17. Review status: criteria provided, single submitter. Criteria: ACMG Guidelines, 2015. Collection method: research. Allele origin: germline.

Mayo Clinic Laboratories, Mayo Clinic
Classification: Benign. Last evaluated: 2022-12-19. Review status: criteria provided, single submitter. Criteria: ACMG Guidelines, 2015. Collection method: clinical testing. Allele origin: germline. Observed: 999 variant alleles.

Genome-Nilou Lab
Classification: Benign for Severe neurodegenerative syndrome with lipodystrophy. Last evaluated: 2021-07-14. Review status: criteria provided, single submitter. Criteria: ACMG Guidelines, 2015. Collection method: clinical testing. Allele origin: germline. Affected: no.

Genome-Nilou Lab
Classification: Benign for Congenital generalized lipodystrophy type 2. Last evaluated: 2021-07-14. Review status: criteria provided, single submitter. Criteria: ACMG Guidelines, 2015. Collection method: clinical testing. Allele origin: germline. Affected: no.

Genome-Nilou Lab
Classification: Benign for Neuronopathy, distal hereditary motor, type 5C. Last evaluated: 2021-07-14. Review status: criteria provided, single submitter. Criteria: ACMG Guidelines, 2015. Collection method: clinical testing. Allele origin: germline. Affected: no.

Genome-Nilou Lab
Classification: Benign for Hereditary spastic paraplegia 17. Last evaluated: 2021-07-14. Review status: criteria provided, single submitter. Criteria: ACMG Guidelines, 2015. Collection method: clinical testing. Allele origin: germline. Affected: no.

Illumina Laboratory Services, Illumina
Classification: Benign for Neuronopathy, distal hereditary motor, type 5A. Last evaluated: 2018-01-13. Review status: criteria provided, single submitter. Criteria: ICSL Variant Classification Criteria 13 December 2019. Collection method: clinical testing. Allele origin: germline.
Comment: This variant was observed in the ICSL laboratory as part of a predisposition screen in an ostensibly healthy population. It had not been previously curated by ICSL or reported in the Human Gene Mutation Database (HGMD: prior to June 1st, 2018), and was therefore a candidate for classification through an automated scoring system. Utilizing variant allele frequency, disease prevalence and penetrance estimates, and inheritance mode, an automated score was calculated to assess if this variant is too frequent to cause the disease. Based on the score and internal cut-off values, a variant classified as benign is not then subjected to further curation. The score for this variant resulted in a classification of benign for this disease.

Illumina Laboratory Services, Illumina
Classification: Benign for Congenital generalized lipodystrophy type 2. Last evaluated: 2018-01-13. Review status: criteria provided, single submitter. Criteria: ICSL Variant Classification Criteria 13 December 2019. Collection method: clinical testing. Allele origin: germline.
Comment: the same text as in the submission from Illumina Laboratory Services, Illumina above.

Genome Diagnostics Laboratory, The Hospital for Sick Children
Classification: Benign for Hereditary spastic paraplegia. Last evaluated: 2016-12-12. Review status: criteria provided, single submitter. Criteria: ACMG Guidelines, 2015. Collection method: clinical testing. Allele origin: germline. Affected: yes.

GeneDx
Classification: Benign. Last evaluated: 2015-03-03. Review status: criteria provided, single submitter. Criteria: GeneDx Variant Classification Process June 2021. Collection method: clinical testing. Allele origin: germline. Affected: yes.

Breakthrough Genomics
Classification: Benign. Review status: criteria provided, single submitter. Criteria: ACMG Guidelines, 2015. Collection method: not provided. Allele origin: germline. Inheritance: Autosomal recessive inheritance. Affected: yes.

PreventionGenetics, part of Exact Sciences
Classification: Benign. Review status: criteria provided, single submitter. Criteria: ACMG Guidelines, 2015. Collection method: clinical testing. Allele origin: germline.

Genetic Services Laboratory, University of Chicago
Classification: Likely benign for AllHighlyPenetrant. Review status: no assertion criteria provided. Collection method: clinical testing. Allele origin: germline. Inheritance: Autosomal recessive inheritance. Not counted in ClinVar's aggregate classification.
Comment: Likely benign based on allele frequency in 1000 Genomes Project or ESP global frequency and its presence in a patient with a rare or unrelated disease phenotype. NOT Sanger confirmed.